The following is an entry in ClinVar:

NM_000540.3(RYR1):c.10938-13C>A

Gene: RYR1 (ryanodine receptor 1; plus strand). Cytogenetic location: 19q13.2.
Variant type: single nucleotide variant.
Coding change: c.10938-13C>A on transcript NM_000540.3 (MANE Select); 13 bases into the intron before coding-DNA position 10938, C replaced by A.
Molecular consequence: intron variant.
Genome position (GRCh38, 1-based): chr19:38,528,586, C>A. VCF-style: chr19-38528586-C-A. GRCh37 (hg19) VCF-style: chr19-39019226-C-A.
Other names: c.10923-13C>A (NM_001042723.2).
Identifiers: ClinVar variation 3385543 (VCV003385543.1).
Genomic context (GRCh38, chr19:38,528,586, plus strand): 5'-GCTGCAGGCGCATGGGAGGTCGGGAAGCACGGAGGAGGGCGCGTCCCAGTGACGTCACAC[C>A]TCTCCCCTGCAGGCACCGGGCATGTAACATGTTCCTGGAGAGCTACAAGGCTGCATGGAT-3'

ClinVar aggregate classification (germline): Likely benign (1 of 4 stars; one submission).

Conditions:
Malignant hyperthermia, susceptibility to, 1 (MHS1). Also called: Anesthesia related hyperthermia; Malignant hyperpyrexia; Fulminating hyperpyrexia; Pharmacogenic myopathy; Malignant hyperthermia suceptibility 1; RYR1-Related Malignant Hyperthermia Susceptibility. Identifiers: Orphanet 423, MedGen C2930980, MONDO:0007783, OMIM 145600.

Submission:

All of Us Research Program, National Institutes of Health
Classification: Likely benign for Malignant hyperthermia, susceptibility to, 1. Last evaluated: 2024-03-24. Review status: criteria provided, single submitter. Criteria: ACMG Guidelines, 2015. Collection method: clinical testing. Allele origin: germline. Inheritance: Autosomal dominant inheritance. Observed: 1 variant allele, 1 heterozygote.
Comment: This study involves interpretation of variants in research participants for the purpose of population health screening. Participant phenotype was not available at the time of variant classification. Additional details can be found in publication PMID: 35346344, PMCID: PMC8962531